The following is an entry in ClinVar:

NM_015272.5(RPGRIP1L):c.2152+10A>C

Gene: RPGRIP1L (RPGRIP1 like; minus strand). Cytogenetic location: 16q12.2.
Variant type: single nucleotide variant.
Coding change: c.2152+10A>C on transcript NM_015272.5 (MANE Select); 10 bases into the intron after coding-DNA position 2152, A replaced by C.
Molecular consequence: intron variant.
Genome position (GRCh38, 1-based): chr16:53,652,525, T>G on the plus strand (A>C on the coding strand, the complement: RPGRIP1L is on the minus strand). VCF-style: chr16-53652525-T-G. GRCh37 (hg19) VCF-style: chr16-53686437-T-G.
Other names: c.2152+10A>C (NM_015272.4, NM_001127897.4, NM_001330538.2 and 1 more transcripts).
Identifiers: ClinVar variation 1138362 (VCV001138362.11), dbSNP rs1966875026, ClinGen allele CA2223265719.

ClinVar aggregate classification (germline): Likely benign. Review status: criteria provided, multiple submitters, no conflicts (2 of 4 stars). 3 submissions from 3 submitters: Likely benign (2). 1 of the submissions does not count toward it. Last evaluated 2023-09-21.

Conditions:
Joubert syndrome. Also called: JOUBERT-BOLTSHAUSER SYNDROME; Familial aplasia of the vermis. Identifiers: Orphanet 475, MedGen C5979921, MONDO:0018772.
Meckel-Gruber syndrome. Also called: Dysencephalia splachnocystica; GRUBER SYNDROME; DYSENCEPHALIA SPLANCHNOCYSTICA. Identifiers: Orphanet 564, MedGen C0265215, MONDO:0018921.
RPGRIP1L-related disorder. Also called: RPGRIP1L-related disorders; RPGRIP1L-related condition. Identifiers: MedGen CN239416.

gnomAD v4.1: 1 of 1,605,754 alleles (0.000062%); highest among the groups gnomAD compares: African/African-American, 0.0013%; no homozygotes.

Submissions (3):

Labcorp Genetics (formerly Invitae), Labcorp
Classification: Likely benign for Joubert syndrome; Meckel-Gruber syndrome. Last evaluated: 2023-09-21. Review status: criteria provided, single submitter. Criteria: Invitae Variant Classification Sherloc (09022015). Collection method: clinical testing. Allele origin: germline.

Blueprint Genetics
Classification: Likely benign. Last evaluated: 2020-11-05. Review status: criteria provided, single submitter. Criteria: ACMG Guidelines, 2015. Collection method: clinical testing. Allele origin: germline.

PreventionGenetics, part of Exact Sciences
Classification: Likely benign for RPGRIP1L-related condition. Last evaluated: 2021-09-10. Review status: no assertion criteria provided. Collection method: clinical testing. Allele origin: germline. Not counted in ClinVar's aggregate classification.
Comment: This variant is classified as likely benign based on ACMG/AMP sequence variant interpretation guidelines (Richards et al. 2015 PMID: 25741868, with internal and published modifications).